The following is an entry in ClinVar:

NM_020117.11(LARS1):c.3379C>T (p.Arg1127Ter)

Gene: LARS1 (leucyl-tRNA synthetase 1; minus strand). Cytogenetic location: 5q32.
Variant type: single nucleotide variant.
Coding change: c.3379C>T on transcript NM_020117.11 (MANE Select); coding-DNA position 3379, C replaced by T.
Protein change: p.Arg1127Ter; replaces arginine 1127 with a stop codon.
Molecular consequence: nonsense.
Genome position (GRCh38, 1-based): chr5:146,114,258, G>A on the plus strand (C>T on the coding strand, the complement: LARS1 is on the minus strand). VCF-style: chr5-146114258-G-A. GRCh37 (hg19) VCF-style: chr5-145493821-G-A.
Other names: c.3241C>T, p.Arg1081Ter (NM_001317964.2); c.3217C>T, p.Arg1073Ter (NM_001317965.2); c.3298C>T, p.Arg1100Ter (NM_016460.4); short protein forms R1073*, R1081*, R1100*, R1127*.
Identifiers: ClinVar variation 1680381 (VCV001680381.6), dbSNP rs746600010, ClinGen allele CA3489042.

ClinVar aggregate classification (germline): Uncertain significance (1 of 4 stars; one submission).

Allele frequency attached by ClinVar (database versions not stated): ExAC 0.00001; gnomAD exomes 0.00001.
gnomAD v4.1: 8 of 1,613,694 alleles (0.0005%); highest among the groups gnomAD compares: Non-Finnish European, 0.00068%; no homozygotes.

Submission:

Labcorp Genetics (formerly Invitae), Labcorp
Classification: Uncertain significance. Last evaluated: 2021-09-10. Review status: criteria provided, single submitter. Criteria: Invitae Variant Classification Sherloc (09022015). Collection method: clinical testing. Allele origin: germline.
Comment: Experimental studies and prediction algorithms are not available or were not evaluated, and the functional significance of this variant is currently unknown. In summary, the available evidence is currently insufficient to determine the role of this variant in disease. Therefore, it has been classified as a Variant of Uncertain Significance. This variant has not been reported in the literature in individuals affected with LARS-related conditions. This sequence change creates a premature translational stop signal (p.Arg1127*) in the LARS gene. While this is not anticipated to result in nonsense mediated decay, it is expected to disrupt the last 50 amino acid(s) of the LARS protein. This variant is present in population databases (rs746600010, ExAC 0.002%).